The following is an entry in ClinVar:

NM_004612.4(TGFBR1):c.3_27dup (p.Pro10fs)

Genes: TGFBR1 (transforming growth factor beta receptor 1; plus strand), LOC130002223 (ATAC-STARR-seq lymphoblastoid silent region 20124; plus strand). Cytogenetic location: 9q22.33.
Variant type: Duplication.
Coding change: c.3_27dup on transcript NM_004612.4 (MANE Select); coding-DNA positions 3 to 27, 25 bases duplicated (GGAGGCGGCGGTCGCTGCTCCGCGT).
Protein change: p.Pro10fs; shifts the reading frame from proline 10.
Molecular consequence: frameshift variant, initiator codon variant. On other transcripts: 5 prime UTR variant (5), non-coding transcript variant (4), intron variant (8).
Genome position (GRCh38, 1-based): chr9:99,105,208-99,105,232, GGAGGCGGCGGTCGCTGCTCCGCGT duplicated; duplicating any 25 consecutive bases within chr9:99,105,207-99,105,232 gives the same sequence; the c. name uses the placement nearest the transcript's 3' end. VCF-style (leftmost placement, unchanged base first): chr9-99105206-A-ATGGAGGCGGCGGTCGCTGCTCCGCG. GRCh37 (hg19) VCF-style: chr9-101867488-A-ATGGAGGCGGCGGTCGCTGCTCCGCG.
Other names: c.3_27dup, p.Pro10fs (NM_001130916.3, NM_001306210.2, NM_001407416.1 and 5 more transcripts); c.-341_-317dup (NM_001407420.1, NM_001407429.1); c.-310_-286dup (NM_001407422.1, NM_001407426.1); c.-265_-241dup (NM_001407428.1); c.-111+1467_-111+1491dup (NM_001407418.1, NM_001407423.1); c.-111+1102_-111+1126dup (NM_001407424.1); c.-111+689_-111+713dup (NM_001407425.1); c.-111+482_-111+506dup (NM_001407434.1); and 2 more; short protein forms P10fs.
Identifiers: ClinVar variation 2748941 (VCV002748941.3), dbSNP rs2490932279, ClinGen allele CA2697557905.
Genomic context (GRCh38, chr9:99,105,206, plus strand): 5'-CTGGGGTGAGGCAGCGGCGCGGCCGGGCCGGGCCGGGCCACAGGCGGTGGCGGCGGGACC[A>ATGGAGGCGGCGGTCGCTGCTCCGCG]TGGAGGCGGCGGTCGCTGCTCCGCGTCCCCGGCTGCTCCTCCTCGTGCTGGCGGCGGCGG-3'

ClinVar aggregate classification (germline): Pathogenic (1 of 4 stars; one submission).

Conditions:
Familial thoracic aortic aneurysm and aortic dissection (TAAD). Also called: Thoracic aortic aneurysms and dissections. Identifiers: Orphanet 91387, MedGen C4707243, MONDO:0019625.

Submission:

Labcorp Genetics (formerly Invitae), Labcorp
Classification: Pathogenic for Familial thoracic aortic aneurysm and aortic dissection. Last evaluated: 2023-08-08. Review status: criteria provided, single submitter. Criteria: Invitae Variant Classification Sherloc (09022015). Collection method: clinical testing. Allele origin: germline.
Comment: For these reasons, this variant has been classified as Pathogenic. This variant has not been reported in the literature in individuals affected with TGFBR1-related conditions. The frequency data for this variant in the population databases is considered unreliable, as metrics indicate insufficient coverage at this position in the gnomAD database. This sequence change creates a premature translational stop signal (p.Pro10Glyfs*73) in the TGFBR1 gene. It is expected to result in an absent or disrupted protein product. Loss-of-function variants in TGFBR1 are known to be pathogenic (PMID: 21358634).

Literature cited by the submitters: PubMed 21358634.